The following is an entry in ClinVar:

NM_002435.3(MPI):c.679G>T (p.Gly227Ter)

Gene: MPI (mannose phosphate isomerase; plus strand). Cytogenetic location: 15q24.1.
Variant type: single nucleotide variant.
Coding change: c.679G>T on transcript NM_002435.3 (MANE Select); coding-DNA position 679, G replaced by T.
Protein change: p.Gly227Ter; replaces glycine 227 with a stop codon.
Molecular consequence: nonsense.
Genome position (GRCh38, 1-based): chr15:74,896,160, G>T. VCF-style: chr15-74896160-G-T. GRCh37 (hg19) VCF-style: chr15-75188501-G-T.
Other names: c.679G>T, p.Gly227Ter (NM_001289155.2); c.529G>T, p.Gly177Ter (NM_001289156.2); c.496G>T, p.Gly166Ter (NM_001289157.2); c.619G>T, p.Gly207Ter (NM_001330372.2); c.679G>T (NM_002435.2); short protein forms G166*, G177*, G207*, G227*.
Identifiers: ClinVar variation 2676657 (VCV002676657.5), dbSNP rs747198298, ClinGen allele CA393175771.

ClinVar aggregate classification (germline): Pathogenic/Likely pathogenic. Review status: criteria provided, multiple submitters, no conflicts (2 of 4 stars). 3 submissions from 3 submitters: Pathogenic (1); Likely pathogenic (2). Last evaluated 2024-06-26.

Conditions:
MPI-congenital disorder of glycosylation. Also called: CONGENITAL DISORDER OF GLYCOSYLATION, TYPE Ib; CDG Ib; MANNOSEPHOSPHATE ISOMERASE DEFICIENCY; PROTEIN-LOSING ENTEROPATHY-HEPATIC FIBROSIS SYNDROME; MPI DEFICIENCY; MPI-CDG. Identifiers: Orphanet 79319, MedGen C1865145, MONDO:0011257, OMIM 602579.

gnomAD v4.1: 2 of 1,614,048 alleles (0.00012%); highest among the groups gnomAD compares: South Asian, 0.0022%; no homozygotes.

Submissions (3):

Natera, Inc.
Classification: Likely pathogenic for Congenital disorder of glycosylation type 1b. Last evaluated: 2024-06-26. Review status: criteria provided, single submitter. Criteria: Natera Variant Classification Schema (03/2026). Collection method: clinical testing. Allele origin: germline.
Comment: The c.679G>T variant in MPI is a nonsense variant predicted to introduce a stop codon at amino acid 227. This variant is expected to result in nonsense mediated decay, truncation, or a dysfunctional protein product. This variant is rare in the general population with a frequency below the threshold expected for the associated phenotype(s). Given the available evidence, this variant is classified as Likely Pathogenic.

Labcorp Genetics (formerly Invitae), Labcorp
Classification: Pathogenic for MPI-congenital disorder of glycosylation. Last evaluated: 2023-10-06. Review status: criteria provided, single submitter. Criteria: Invitae Variant Classification Sherloc (09022015). Collection method: clinical testing. Allele origin: germline.
Comment: This sequence change creates a premature translational stop signal (p.Gly227*) in the MPI gene. It is expected to result in an absent or disrupted protein product. Loss-of-function variants in MPI are known to be pathogenic (PMID: 19862844). This variant is not present in population databases (gnomAD no frequency). This variant has not been reported in the literature in individuals affected with MPI-related conditions. For these reasons, this variant has been classified as Pathogenic.

Baylor Genetics
Classification: Likely pathogenic for MPI-congenital disorder of glycosylation. Last evaluated: 2023-06-22. Review status: criteria provided, single submitter. Criteria: ACMG Guidelines, 2015. Collection method: clinical testing. Allele origin: unknown.

Literature cited by the submitters: PubMed 19862844 (cited by Labcorp Genetics (formerly Invitae), Labcorp).